The following is an entry in ClinVar:

ClinVar aggregate classification (germline): Pathogenic (1 of 4 stars; one submission).

Conditions:
Autoimmune lymphoproliferative syndrome, type III caused by mutation in PRKCD. Identifiers: Orphanet 3261, Orphanet 664711, MedGen C3809928, MONDO:8000024, OMIM 615559.

Submission:

Labcorp Genetics (formerly Invitae), Labcorp
Classification: Pathogenic for Autoimmune lymphoproliferative syndrome, type III caused by mutation in PRKCD. Last evaluated: 2021-06-01. Review status: criteria provided, single submitter. Criteria: Invitae Variant Classification Sherloc (09022015). Collection method: clinical testing. Allele origin: germline.
Comment: This sequence change creates a premature translational stop signal (p.Cys95*) in the PRKCD gene. It is expected to result in an absent or disrupted protein product. Loss-of-function variants in PRKCD are known to be pathogenic (PMID: 11976687, 23319571, 23430113). This variant is not present in population databases (ExAC no frequency). This variant has not been reported in the literature in individuals with PRKCD-related conditions. For these reasons, this variant has been classified as Pathogenic.

Literature cited by the submitters: PubMed 11976687; PubMed 23319571; PubMed 23430113.

NM_006254.4(PRKCD):c.285C>A (p.Cys95Ter)

Gene: PRKCD (protein kinase C delta; plus strand). Cytogenetic location: 3p21.1.
Variant type: single nucleotide variant.
Coding change: c.285C>A on transcript NM_006254.4 (MANE Select); coding-DNA position 285, C replaced by A.
Protein change: p.Cys95Ter; replaces cysteine 95 with a stop codon.
Molecular consequence: nonsense.
Genome position (GRCh38, 1-based): chr3:53,179,746, C>A. VCF-style: chr3-53179746-C-A. GRCh37 (hg19) VCF-style: chr3-53213762-C-A.
Other names: c.285C>A, p.Cys95Ter (NM_001316327.2, NM_001354679.2, NM_001354680.2 and 1 more transcripts); c.342C>A, p.Cys114Ter (NM_001354676.2); c.333C>A, p.Cys111Ter (NM_001354678.2); short protein forms C111*, C114*, C95*.
Identifiers: ClinVar variation 1454573 (VCV001454573.6), dbSNP rs2107257357, ClinGen allele CA353233364.